The following is an entry in ClinVar:

ClinVar aggregate classification (germline): Uncertain significance (1 of 4 stars; one submission).

Submission:

Labcorp Genetics (formerly Invitae), Labcorp
Classification: Uncertain significance. Last evaluated: 2022-04-23. Review status: criteria provided, single submitter. Criteria: Invitae Variant Classification Sherloc (09022015). Collection method: clinical testing. Allele origin: germline.
Comment: This variant occurs in the RNU4ATAC gene, which encodes an RNA molecule that does not result in a protein product. This variant is present in population databases (no rsID available, gnomAD 0.04%). This variant has not been reported in the literature in individuals affected with RNU4ATAC-related conditions. Experimental studies and prediction algorithms are not available or were not evaluated, and the functional significance of this variant is currently unknown. In summary, the available evidence is currently insufficient to determine the role of this variant in disease. Therefore, it has been classified as a Variant of Uncertain Significance.

NC_000002.12:g.121531009_121531013dup

Genes: CLASP1 (cytoplasmic linker associated protein 1; minus strand), CLASP1-AS1 (CLASP1 antisense RNA 1; plus strand), RNU4ATAC (RNA, U4atac small nuclear; plus strand). Cytogenetic location: 2q14.2.
Variant type: Duplication.
Molecular consequence: intron variant (on NM_001395891.1).
Genome position: GRCh38 VCF-style: chr2-121531005-A-AAAATG. GRCh37 (hg19) VCF-style: chr2-122288581-A-AAAATG.
Other names: c.196-685_196-681dup (NM_001142274.2, NM_015282.3, NM_001378003.1 and 5 more transcripts).
Identifiers: ClinVar variation 2087135 (VCV002087135.1), dbSNP rs1553615848, ClinGen allele CA536071247.